The following is an entry in ClinVar:

ClinVar aggregate classification (germline): Uncertain significance (1 of 4 stars; one submission).

Conditions:
Duchenne muscular dystrophy (DMD). Also called: MUSCULAR DYSTROPHY, PSEUDOHYPERTROPHIC PROGRESSIVE, DUCHENNE TYPE; Duchenne Muscular Dystrophy (DMD). Identifiers: Orphanet 98896, MedGen C0013264, MONDO:0010679, OMIM 310200.

Submission:

Labcorp Genetics (formerly Invitae), Labcorp
Classification: Uncertain significance for Duchenne muscular dystrophy. Last evaluated: 2021-09-17. Review status: criteria provided, single submitter. Criteria: Invitae Variant Classification Sherloc (09022015). Collection method: clinical testing. Allele origin: germline.
Comment: This sequence change replaces glutamic acid with alanine at codon 1024 of the DMD protein (p.Glu1024Ala). The glutamic acid residue is moderately conserved and there is a moderate physicochemical difference between glutamic acid and alanine. This variant is not present in population databases (ExAC no frequency). This variant has not been reported in the literature in individuals with DMD-related conditions. Algorithms developed to predict the effect of missense changes on protein structure and function (SIFT, PolyPhen-2, Align-GVGD) all suggest that this variant is likely to be tolerated, but these predictions have not been confirmed by published functional studies and their clinical significance is uncertain. In summary, the available evidence is currently insufficient to determine the role of this variant in disease. Therefore, it has been classified as a Variant of Uncertain Significance.

NM_004006.3(DMD):c.3071A>C (p.Glu1024Ala)

Gene: DMD (dystrophin; minus strand). Cytogenetic location: Xp21.1.
Variant type: single nucleotide variant.
Coding change: c.3071A>C on transcript NM_004006.3 (MANE Select); coding-DNA position 3071, A replaced by C.
Protein change: p.Glu1024Ala; replaces glutamic acid 1024 with alanine.
Molecular consequence: missense variant.
Genome position (GRCh38, 1-based): chrX:32,468,589, T>G on the plus strand (A>C on the coding strand, the complement: DMD is on the minus strand). VCF-style: chrX-32468589-T-G. GRCh37 (hg19) VCF-style: chrX-32486706-T-G.
Other names: c.3047A>C, p.Glu1016Ala (NM_000109.4); c.3059A>C, p.Glu1020Ala (NM_004009.3); c.2702A>C, p.Glu901Ala (NM_004010.3); short protein forms E1020A, E1024A, E1016A, E901A.
Identifiers: ClinVar variation 2151015 (VCV002151015.1), dbSNP rs2524613594, ClinGen allele CA412666929.